The following is an entry in ClinVar:

NM_001201427.2(DAAM2):c.625C>G (p.Arg209Gly)

Gene: DAAM2 (dishevelled associated activator of morphogenesis 2; plus strand). Cytogenetic location: 6p21.2.
Variant type: single nucleotide variant.
Coding change: c.625C>G on transcript NM_001201427.2 (MANE Select); coding-DNA position 625, C replaced by G.
Protein change: p.Arg209Gly; replaces arginine 209 with glycine.
Molecular consequence: missense variant.
Genome position (GRCh38, 1-based): chr6:39,867,706, C>G. VCF-style: chr6-39867706-C-G. GRCh37 (hg19) VCF-style: chr6-39835482-C-G.
Other names: c.625C>G, p.Arg209Gly (NM_015345.4); short protein forms R209G.
Identifiers: ClinVar variation 3079872 (VCV003079872.2), dbSNP rs375083979, ClinGen allele CA3794758.
Genomic context (GRCh38, chr6:39,867,706, plus strand): 5'-CAGGGGCGGGCACATGTGCTGGCACAGCCTGAGGCCATTAGTACCATAGCCCAGAGCCTA[C>G]GCACAGAGAACAGCAAGACCAAGGTGGCTGTGCTGGAGATCCTGGGTGCTGTGTGCCTCG-3'
Protein context (NP_001188356.1, residues 199-219): EAISTIAQSL[Arg209Gly]TENSKTKVAV

ClinVar aggregate classification (germline): Uncertain significance. Review status: criteria provided, multiple submitters, no conflicts (2 of 4 stars). 2 submissions from 2 submitters: Uncertain significance (2). Last evaluated 2026-08-06.

Conditions:
Nephrotic syndrome, type 24. Identifiers: Orphanet 567548, MedGen C5543267, MONDO:0031008, OMIM 619263.
Inborn genetic diseases. Identifiers: MedGen C0950123, MeSH D030342.

Allele frequency attached by ClinVar (database versions not stated): 1000 Genomes Project 0.00080; 1000 Genomes Project 30x 0.00094; ESP Exome Variant Server 0.00031.
gnomAD v4.1: 274 of 1,614,058 alleles (0.017%); highest among the groups gnomAD compares: Middle Eastern, 0.36%; 2 homozygotes.

Submissions (2):

OLLIN Analises Genomicas, OLLIN
Classification: Uncertain significance for Nephrotic syndrome, type 24. Last evaluated: 2026-08-06. Review status: criteria provided, single submitter. Criteria: ACMG Guidelines 2015 PMID 25741868. Collection method: clinical testing. Allele origin: germline. Inheritance: Autosomal recessive inheritance.
Comment: This missense variant, located in exon 6 (of 25), has been reported in ClinVar (accession VCV003079872.1) and in gnomAD with an allele frequency of 0.017%. However, to our knowledge, it has not been reported in the scientific literature. In silico analysis is inconclusive regarding the impact of this variant. According to the currently available evidence, this variant has been classified as uncertain significance (PM2_P).

Ambry Genetics
Classification: Uncertain significance for Inborn genetic diseases. Last evaluated: 2021-07-13. Review status: criteria provided, single submitter. Criteria: Ambry Variant Classification Scheme 2023. Collection method: clinical testing. Allele origin: germline.